The following is an entry in ClinVar:

ClinVar aggregate classification (germline): Uncertain significance (1 of 4 stars; one submission).

Submission:

Labcorp Genetics (formerly Invitae), Labcorp
Classification: Uncertain significance. Last evaluated: 2022-08-11. Review status: criteria provided, single submitter. Criteria: Invitae Variant Classification Sherloc (09022015). Collection method: clinical testing. Allele origin: germline.
Comment: In summary, the available evidence is currently insufficient to determine the role of this variant in disease. Therefore, it has been classified as a Variant of Uncertain Significance. Advanced modeling of protein sequence and biophysical properties (such as structural, functional, and spatial information, amino acid conservation, physicochemical variation, residue mobility, and thermodynamic stability) performed at Invitae indicates that this missense variant is expected to disrupt CNGB1 protein function. This variant has not been reported in the literature in individuals affected with CNGB1-related conditions. This variant is not present in population databases (gnomAD no frequency). This sequence change replaces proline, which is neutral and non-polar, with alanine, which is neutral and non-polar, at codon 910 of the CNGB1 protein (p.Pro910Ala).

NM_001297.5(CNGB1):c.2728C>G (p.Pro910Ala)

Gene: CNGB1 (cyclic nucleotide gated channel subunit beta 1; minus strand). Cytogenetic location: 16q21.
Variant type: single nucleotide variant.
Coding change: c.2728C>G on transcript NM_001297.5 (MANE Select); coding-DNA position 2728, C replaced by G.
Protein change: p.Pro910Ala; replaces proline 910 with alanine.
Molecular consequence: missense variant.
Genome position (GRCh38, 1-based): chr16:57,903,888, G>C on the plus strand (C>G on the coding strand, the complement: CNGB1 is on the minus strand). VCF-style: chr16-57903888-G-C. GRCh37 (hg19) VCF-style: chr16-57937792-G-C.
Other names: c.2710C>G, p.Pro904Ala (NM_001286130.2); short protein forms P904A, P910A.
Identifiers: ClinVar variation 1716144 (VCV001716144.5), dbSNP rs2544618833, ClinGen allele CA396057616.
Genomic context (GRCh38, chr16:57,903,888, plus strand): 5'-TGCCTTGCGAGTGCCAGGTGTACTCGTACCAGGTCTTGACGCGGTTCTGCACGGACTTGG[G>C]GATCTTGTAGAAATTCATGTACTTCACCGTGCTGTCCATGCAGCTGCGGTAGTAGGTCTG-3'
Protein context (NP_001288.3, residues 900-920): TVKYMNFYKI[Pro910Ala]KSVQNRVKTW